The following is an entry in ClinVar:

ClinVar aggregate classification (germline): Uncertain significance. Review status: criteria provided, multiple submitters, no conflicts (2 of 4 stars). 2 submissions from 2 submitters: Uncertain significance (2). Last evaluated 2025-08-06.

Conditions:
Cardiovascular phenotype. Identifiers: MedGen CN230736.
Catecholaminergic polymorphic ventricular tachycardia 1. Also called: VENTRICULAR TACHYCARDIA, CATECHOLAMINERGIC POLYMORPHIC, 1, WITH OR WITHOUT ATRIAL DYSFUNCTION AND/OR DILATED CARDIOMYOPATHY; VENTRICULAR TACHYCARDIA, STRESS-INDUCED POLYMORPHIC 1; RYR2-Related Catecholaminergic Polymorphic Ventricular Tachycardia. Identifiers: Orphanet 3286, MedGen C1631597, MONDO:0011484, OMIM 604772.

Allele frequency attached by ClinVar (database versions not stated): TOPMed 0.00002.
gnomAD v4.1: 39 of 1,578,798 alleles (0.0025%); highest among the groups gnomAD compares: Admixed American, 0.0036%; no homozygotes.

Submissions (2):

Ambry Genetics
Classification: Uncertain significance for Cardiovascular phenotype. Last evaluated: 2025-08-06. Review status: criteria provided, single submitter. Criteria: Ambry Variant Classification Scheme 2023. Collection method: clinical testing. Allele origin: germline.

Labcorp Genetics (formerly Invitae), Labcorp
Classification: Uncertain significance for Catecholaminergic polymorphic ventricular tachycardia 1. Last evaluated: 2022-02-10. Review status: criteria provided, single submitter. Criteria: Invitae Variant Classification Sherloc (09022015). Collection method: clinical testing. Allele origin: germline.
Comment: This sequence change replaces serine, which is neutral and polar, with proline, which is neutral and non-polar, at codon 116 of the TRDN protein (p.Ser116Pro). The frequency data for this variant in the population databases is considered unreliable, as metrics indicate poor data quality at this position in the gnomAD database. This variant has not been reported in the literature in individuals affected with TRDN-related conditions. ClinVar contains an entry for this variant (Variation ID: 1045549). Algorithms developed to predict the effect of missense changes on protein structure and function are either unavailable or do not agree on the potential impact of this missense change (SIFT: "Tolerated"; PolyPhen-2: "Not Available"; Align-GVGD: "Class C0"). In summary, the available evidence is currently insufficient to determine the role of this variant in disease. Therefore, it has been classified as a Variant of Uncertain Significance.

NM_006073.4(TRDN):c.346T>C (p.Ser116Pro)

Gene: TRDN (triadin; minus strand). Cytogenetic location: 6q22.31.
Variant type: single nucleotide variant.
Coding change: c.346T>C on transcript NM_006073.4 (MANE Select); coding-DNA position 346, T replaced by C.
Protein change: p.Ser116Pro; replaces serine 116 with proline.
Molecular consequence: missense variant.
Genome position (GRCh38, 1-based): chr6:123,548,499, A>G on the plus strand (T>C on the coding strand, the complement: TRDN is on the minus strand). VCF-style: chr6-123548499-A-G. GRCh37 (hg19) VCF-style: chr6-123869644-A-G.
Other names: c.346T>C, p.Ser116Pro (NM_001256022.2, NM_001251987.2, NM_001256020.2 and 1 more transcripts); short protein forms S116P.
Identifiers: ClinVar variation 1045549 (VCV001045549.11), dbSNP rs768047321, ClinGen allele CA147297278.